The following is an entry in ClinVar:

NM_004006.3(DMD):c.10352A>G (p.Asn3451Ser)

Gene: DMD (dystrophin; minus strand). Cytogenetic location: Xp21.2.
Variant type: single nucleotide variant.
Coding change: c.10352A>G on transcript NM_004006.3 (MANE Select); coding-DNA position 10352, A replaced by G.
Protein change: p.Asn3451Ser; replaces asparagine 3451 with serine.
Molecular consequence: missense variant. On other transcripts: intron variant (2).
Genome position (GRCh38, 1-based): chrX:31,172,390, T>C on the plus strand (A>G on the coding strand, the complement: DMD is on the minus strand). VCF-style: chrX-31172390-T-C. GRCh37 (hg19) VCF-style: chrX-31190507-T-C.
Other names: c.10328A>G, p.Asn3443Ser (NM_000109.4); c.10340A>G, p.Asn3447Ser (NM_004009.3); c.9983A>G, p.Asn3328Ser (NM_004010.3); c.6329A>G, p.Asn2110Ser (NM_004011.4); c.6320A>G, p.Asn2107Ser (NM_004012.4); c.2972A>G, p.Asn991Ser (NM_004013.3, NM_004021.3); c.2165A>G, p.Asn722Ser (NM_004014.3); c.1148A>G, p.Asn383Ser (NM_004015.3, NM_004016.3); and 3 more; short protein forms N3451S, N722S, N991S, N2110S, N3447S, N370S, N978S, N2107S.
Identifiers: ClinVar variation 502226 (VCV000502226.10), dbSNP rs1201177282, ClinGen allele CA412652198.

ClinVar aggregate classification (germline): Uncertain significance. Review status: criteria provided, multiple submitters, no conflicts (2 of 4 stars). 2 submissions from 2 submitters: Uncertain significance (2). Last evaluated 2025-09-21.

Conditions:
Duchenne muscular dystrophy (DMD). Also called: MUSCULAR DYSTROPHY, PSEUDOHYPERTROPHIC PROGRESSIVE, DUCHENNE TYPE; Duchenne Muscular Dystrophy (DMD). Identifiers: Orphanet 98896, MedGen C0013264, MONDO:0010679, OMIM 310200.

Allele frequency attached by ClinVar (database versions not stated): gnomAD 0.00001; gnomAD exomes 0.00001; TOPMed 0.00001.
gnomAD v4.1: 4 of 1,199,207 alleles (0.00033%); highest among the groups gnomAD compares: African/African-American, 0.0035%; no homozygotes.

Submissions (2):

Labcorp Genetics (formerly Invitae), Labcorp
Classification: Uncertain significance for Duchenne muscular dystrophy. Last evaluated: 2025-09-21. Review status: criteria provided, single submitter. Criteria: Invitae Variant Classification Sherloc (09022015). Collection method: clinical testing. Allele origin: germline.
Comment: This sequence change replaces asparagine, which is neutral and polar, with serine, which is neutral and polar, at codon 3451 of the DMD protein (p.Asn3451Ser). This variant is present in population databases (no rsID available, gnomAD 0.008%). This variant has not been reported in the literature in individuals affected with DMD-related conditions. ClinVar contains an entry for this variant (Variation ID: 502226). Invitae Evidence Modeling of protein sequence and biophysical properties (such as structural, functional, and spatial information, amino acid conservation, physicochemical variation, residue mobility, and thermodynamic stability) indicates that this missense variant is not expected to disrupt DMD protein function with a negative predictive value of 95%. In summary, the available evidence is currently insufficient to determine the role of this variant in disease. Therefore, it has been classified as a Variant of Uncertain Significance.

Eurofins Ntd Llc (ga)
Classification: Uncertain significance. Last evaluated: 2017-06-06. Review status: criteria provided, single submitter. Criteria: EGL Classification Definitions 2015. Collection method: clinical testing. Allele origin: germline.